The following is an entry in ClinVar:

NM_013450.4(BAZ2B):c.3490G>A (p.Glu1164Lys)

Gene: BAZ2B (bromodomain adjacent to zinc finger domain 2B; minus strand). Cytogenetic location: 2q24.2.
Variant type: single nucleotide variant.
Coding change: c.3490G>A on transcript NM_013450.4 (MANE Select); coding-DNA position 3490, G replaced by A.
Protein change: p.Glu1164Lys; replaces glutamic acid 1164 with lysine.
Molecular consequence: missense variant.
Genome position (GRCh38, 1-based): chr2:159,385,351, C>T on the plus strand (G>A on the coding strand, the complement: BAZ2B is on the minus strand). VCF-style: chr2-159385351-C-T. GRCh37 (hg19) VCF-style: chr2-160241862-C-T.
Other names: c.3382G>A, p.Glu1128Lys (NM_001289975.1); c.3328G>A, p.Glu1110Lys (NM_001329857.2); c.3415G>A, p.Glu1139Lys (NM_001329858.2); short protein forms E1110K, E1128K, E1139K, E1164K.
Identifiers: ClinVar variation 3365432 (VCV003365432.1).

ClinVar aggregate classification (germline): Uncertain significance (1 of 4 stars; one submission).

gnomAD v4.1: 1 of 1,612,552 alleles (0.000062%); highest among the groups gnomAD compares: Non-Finnish European, 0.000085%; no homozygotes.

Submission:

GeneDx
Classification: Uncertain significance. Last evaluated: 2023-12-13. Review status: criteria provided, single submitter. Criteria: GeneDx Variant Classification Process June 2021. Collection method: clinical testing. Allele origin: germline. Affected: yes.
Comment: Not observed at significant frequency in large population cohorts (gnomAD); In silico analysis supports that this missense variant does not alter protein structure/function; Has not been previously published as pathogenic or benign to our knowledge